The following is an entry in ClinVar:

NM_031892.3(SH3KBP1):c.1990T>A (p.Ser664Thr)

Gene: SH3KBP1 (SH3 domain containing kinase binding protein 1; minus strand). Cytogenetic location: Xp22.12.
Variant type: single nucleotide variant.
Coding change: c.1990T>A on transcript NM_031892.3 (MANE Select); coding-DNA position 1990, T replaced by A.
Protein change: p.Ser664Thr; replaces serine 664 with threonine.
Molecular consequence: missense variant.
Genome position (GRCh38, 1-based): chrX:19,536,425, A>T on the plus strand (T>A on the coding strand, the complement: SH3KBP1 is on the minus strand). VCF-style: chrX-19536425-A-T. GRCh37 (hg19) VCF-style: chrX-19554543-A-T.
Other names: c.1879T>A, p.Ser627Thr (NM_001024666.3); c.1276T>A, p.Ser426Thr (NM_001184960.2); c.1861T>A, p.Ser621Thr (NM_001353890.2); c.2065T>A, p.Ser689Thr (NM_001353891.2); c.1936T>A, p.Ser646Thr (NM_001353892.2); c.1888T>A, p.Ser630Thr (NM_001353893.2); c.1759T>A, p.Ser587Thr (NM_001353894.2); c.1816T>A, p.Ser606Thr (NM_001353895.2); and 4 more; short protein forms S562T, S627T, S664T, S708T, S606T, S630T, S646T, S665T.
Identifiers: ClinVar variation 3657547 (VCV003657547.2).

ClinVar aggregate classification (germline): Uncertain significance (1 of 4 stars; one submission).

Submission:

Labcorp Genetics (formerly Invitae), Labcorp
Classification: Uncertain significance. Last evaluated: 2024-09-04. Review status: criteria provided, single submitter. Criteria: Invitae Variant Classification Sherloc (09022015). Collection method: clinical testing. Allele origin: germline.
Comment: This sequence change replaces serine, which is neutral and polar, with threonine, which is neutral and polar, at codon 664 of the SH3KBP1 protein (p.Ser664Thr). This variant is not present in population databases (gnomAD no frequency). This variant has not been reported in the literature in individuals affected with SH3KBP1-related conditions. An algorithm developed to predict the effect of missense changes on protein structure and function (PolyPhen-2) suggests that this variant is likely to be disruptive. In summary, the available evidence is currently insufficient to determine the role of this variant in disease. Therefore, it has been classified as a Variant of Uncertain Significance.